The following is an entry in ClinVar:

ClinVar aggregate classification (germline): Pathogenic/Likely pathogenic. Review status: criteria provided, multiple submitters, no conflicts (2 of 4 stars). 8 submissions from 8 submitters: Pathogenic (4); Likely pathogenic (1). 3 of the submissions do not count toward it. Last evaluated 2024-06-28.

Conditions:
CHD7-related disorder. Also called: CHD7-related condition.
CHARGE syndrome (CHARGE). Also called: Coloboma, heart anomaly, choanal atresia, retardation, genital and ear anomalies; CHARGE association; Hall-Hittner syndrome; Hittner Hirsch Kreh syndrome; CHARGE ASSOCIATION--COLOBOMA, HEART ANOMALY, CHOANAL ATRESIA, RETARDATION, GENITAL AND EAR ANOMALIES. Identifiers: Orphanet 138, MedGen C0265354, MONDO:0008965.
Hypogonadotropic hypogonadism 5 with or without anosmia (KAL5). Also called: HYPOGONADOTROPIC HYPOGONADISM 5 WITH ANOSMIA; HYPOGONADOTROPHIC HYPOGONADISM 5 WITHOUT ANOSMIA; CHD7-Related GnRH Deficiency (Kallmann Syndrome 5). Identifiers: Orphanet 478, MedGen C3552553, MONDO:0012880, OMIM 612370. Disease mechanism: loss of function.
CHD7-related CHARGE syndrome. Identifiers: MedGen CN380413, MONDO:1010178, OMIM 214800.

Submissions (8):

Blueprint Genetics
Classification: Pathogenic for CHD7-related disorders. Last evaluated: 2024-06-28. Review status: criteria provided, single submitter. Criteria: ACMG Guidelines, 2015. Collection method: clinical testing. Allele origin: de novo. Affected: yes. Observed: 1 variant allele.

Molecular Genetics and NGS Laboratory, Hospital Fundacion Valle Del Lili
Classification: Pathogenic for CHD7-related CHARGE syndrome; Hypogonadotropic hypogonadism 5 with or without anosmia. Last evaluated: 2023-11-08. Review status: criteria provided, single submitter. Criteria: ACMG Guidelines, 2015. Collection method: clinical testing. Allele origin: germline. Affected: yes. Observed: 1 variant allele.

Department of Human Genetics, Hannover Medical School
Classification: Likely pathogenic for CHD7-related CHARGE syndrome. Last evaluated: 2022-12-20. Review status: criteria provided, single submitter. Criteria: ACMG Guidelines, 2015. Collection method: clinical testing. Allele origin: germline. Inheritance: Autosomal dominant inheritance. Affected: yes.

Labcorp Genetics (formerly Invitae), Labcorp
Classification: Pathogenic for CHARGE syndrome. Last evaluated: 2022-09-23. Review status: criteria provided, single submitter. Criteria: Invitae Variant Classification Sherloc (09022015). Collection method: clinical testing. Allele origin: germline.
Comment: This sequence change replaces cysteine, which is neutral and slightly polar, with arginine, which is basic and polar, at codon 1101 of the CHD7 protein (p.Cys1101Arg). This variant is not present in population databases (gnomAD no frequency). This missense change has been observed in individual(s) with clinical features of CHARGE syndrome (PMID: 20884005; Invitae). In at least one individual the variant was observed to be de novo. ClinVar contains an entry for this variant (Variation ID: 690306). Advanced modeling of protein sequence and biophysical properties (such as structural, functional, and spatial information, amino acid conservation, physicochemical variation, residue mobility, and thermodynamic stability) performed at Invitae indicates that this missense variant is expected to disrupt CHD7 protein function. This variant disrupts the p.Cys1101 amino acid residue in CHD7. Other variant(s) that disrupt this residue have been observed in individuals with CHD7-related conditions (PMID: 20884005), which suggests that this may be a clinically significant amino acid residue. For these reasons, this variant has been classified as Pathogenic.

HudsonAlpha Institute for Biotechnology
Classification: Pathogenic for CHD7-related CHARGE syndrome. Last evaluated: 2019-08-15. Review status: criteria provided, single submitter. Criteria: ACMG Guidelines, 2015. Collection method: research. Allele origin: de novo. Affected: yes. Observed: 1 variant allele. Study: CSER-SouthSeq.
Comment: ACMG codes: PS2, PS4, PM2, PP3

Clinical Genetics DNA and cytogenetics Diagnostics Lab, Erasmus MC, Erasmus Medical Center
Classification: Pathogenic. Review status: no assertion criteria provided. Collection method: clinical testing. Allele origin: germline. Affected: yes. Study: VKGL Data-share Consensus. Not counted in ClinVar's aggregate classification.

Diagnostic Laboratory, Department of Genetics, University Medical Center Groningen
Classification: Likely pathogenic. Review status: no assertion criteria provided. Collection method: clinical testing. Allele origin: germline. Affected: yes. Study: VKGL Data-share Consensus. Not counted in ClinVar's aggregate classification.

Joint Genome Diagnostic Labs from Nijmegen and Maastricht, Radboudumc and MUMC+
Classification: Likely pathogenic. Review status: no assertion criteria provided. Collection method: clinical testing. Allele origin: germline. Affected: yes. Study: VKGL Data-share Consensus. Not counted in ClinVar's aggregate classification.

Literature cited by the submitters: PubMed 20884005 (cited by Labcorp Genetics (formerly Invitae), Labcorp).

NM_017780.4(CHD7):c.3301T>C (p.Cys1101Arg)

Gene: CHD7 (chromodomain helicase DNA binding protein 7; plus strand). Cytogenetic location: 8q12.2.
Variant type: single nucleotide variant.
Coding change: c.3301T>C on transcript NM_017780.4 (MANE Select); coding-DNA position 3301, T replaced by C.
Protein change: p.Cys1101Arg; replaces cysteine 1101 with arginine.
Molecular consequence: missense variant. On other transcripts: intron variant (1).
Genome position (GRCh38, 1-based): chr8:60,823,939, T>C. VCF-style: chr8-60823939-T-C. GRCh37 (hg19) VCF-style: chr8-61736498-T-C.
Other names: p.Cys1101Arg; c.1717-38290T>C (NM_001316690.1); short protein forms C1101R.
Identifiers: ClinVar variation 690306 (VCV000690306.17), dbSNP rs1586393556, ClinGen allele CA371312206.
Genomic context (GRCh38, chr8:60,823,939, plus strand): 5'-ATCACTACATTTGAGATGATTTTGACTGATTGTCCTGAGCTGCGGAATATTCCATGGCGC[T>C]GTGTAGTCATTGATGAAGCCCACAGGCTGAAGAACAGGAACTGCAAGCTGTTGGAGGGAC-3'
Protein context (NP_060250.2, residues 1091-1111): CPELRNIPWR[Cys1101Arg]VVIDEAHRLK